The following is an entry in ClinVar:

ClinVar aggregate classification (germline): Likely benign. Review status: criteria provided, multiple submitters, no conflicts (2 of 4 stars). 2 submissions from 2 submitters: Likely benign (2). Last evaluated 2024-06-27.

Allele frequency attached by ClinVar (database versions not stated): gnomAD exomes 0.00004; ExAC 0.00005; gnomAD 0.00009 and 0.00040; TOPMed 0.00050.
gnomAD v4.1: 86 of 1,614,034 alleles (0.0053%); highest among the groups gnomAD compares: Middle Eastern, 0.066%; 2 homozygotes.

Submissions (2):

Blueprint Genetics
Classification: Likely benign. Last evaluated: 2024-06-27. Review status: criteria provided, single submitter. Criteria: ACMG Guidelines, 2015. Collection method: clinical testing. Allele origin: germline.

CeGaT Center for Human Genetics Tuebingen
Classification: Likely benign. Last evaluated: 2022-06-01. Review status: criteria provided, single submitter. Criteria: CeGaT Center For Human Genetics Tuebingen Variant Classification Criteria Version 2. Collection method: clinical testing. Allele origin: germline. Affected: yes. Observed: 1 variant allele.
Comment: THG1L: BP4, BP7

NM_017872.5(THG1L):c.297C>T (p.Ile99=)

Gene: THG1L (tRNA-histidine guanylyltransferase 1 like; plus strand). Cytogenetic location: 5q33.3.
Variant type: single nucleotide variant.
Coding change: c.297C>T on transcript NM_017872.5 (MANE Select); coding-DNA position 297, C replaced by T.
Protein change: p.Ile99=; no amino-acid change (isoleucine 99 retained).
Molecular consequence: synonymous variant. On other transcripts: 5 prime UTR variant (2).
Genome position (GRCh38, 1-based): chr5:157,732,973, C>T. VCF-style: chr5-157732973-C-T. GRCh37 (hg19) VCF-style: chr5-157159981-C-T.
Other names: c.-5C>T (NM_001317824.2); c.-75C>T (NM_001317825.2); c.111C>T, p.Ile37= (NM_001317826.2).
Identifiers: ClinVar variation 1695145 (VCV001695145.32), dbSNP rs372164394, ClinGen allele CA3536397.